The following is an entry in ClinVar:

NM_004035.7(ACOX1):c.1201T>C (p.Tyr401His)

Gene: ACOX1 (acyl-CoA oxidase 1; minus strand). Cytogenetic location: 17q25.1.
Variant type: single nucleotide variant.
Coding change: c.1201T>C on transcript NM_004035.7 (MANE Select); coding-DNA position 1201, T replaced by C.
Protein change: p.Tyr401His; replaces tyrosine 401 with histidine.
Molecular consequence: missense variant.
Genome position (GRCh38, 1-based): chr17:75,950,871, A>G on the plus strand (T>C on the coding strand, the complement: ACOX1 is on the minus strand). VCF-style: chr17-75950871-A-G. GRCh37 (hg19) VCF-style: chr17-73946952-A-G.
Other names: c.1087T>C, p.Tyr363His (NM_001185039.2); c.1201T>C, p.Tyr401His (NM_007292.6); short protein forms Y401H, Y363H.
Identifiers: ClinVar variation 2132173 (VCV002132173.4), dbSNP rs2546075914, ClinGen allele CA401062902.

ClinVar aggregate classification (germline): Uncertain significance (1 of 4 stars; one submission).

Conditions:
Acyl-CoA oxidase deficiency. Also called: Peroxisomal acyl-CoA oxidase deficiency; STRAIGHT-CHAIN ACYL-CoA OXIDASE DEFICIENCY; Pseudoneonatal adrenoleukodystrophy. Identifiers: Orphanet 2971, MedGen C1849678, MONDO:0009919, OMIM 264470. Disease mechanism: loss of function.

Submission:

Labcorp Genetics (formerly Invitae), Labcorp
Classification: Uncertain significance for Acyl-CoA oxidase deficiency. Last evaluated: 2024-09-16. Review status: criteria provided, single submitter. Criteria: Invitae Variant Classification Sherloc (09022015). Collection method: clinical testing. Allele origin: germline.
Comment: This sequence change replaces tyrosine, which is neutral and polar, with histidine, which is basic and polar, at codon 401 of the ACOX1 protein (p.Tyr401His). This variant is not present in population databases (gnomAD no frequency). This variant has not been reported in the literature in individuals affected with ACOX1-related conditions. ClinVar contains an entry for this variant (Variation ID: 2132173). Invitae Evidence Modeling of protein sequence and biophysical properties (such as structural, functional, and spatial information, amino acid conservation, physicochemical variation, residue mobility, and thermodynamic stability) indicates that this missense variant is expected to disrupt ACOX1 protein function with a positive predictive value of 80%. In summary, the available evidence is currently insufficient to determine the role of this variant in disease. Therefore, it has been classified as a Variant of Uncertain Significance.